The following is an entry in ClinVar:

ClinVar aggregate classification (germline): Uncertain significance (1 of 4 stars; one submission).

Submission:

Ambry Genetics
Classification: Uncertain significance. Last evaluated: 2023-09-01. Review status: criteria provided, single submitter. Criteria: Ambry Variant Classification Scheme 2023. Collection method: clinical testing. Allele origin: germline.
Comment: The p.S198A variant (also known as c.592T>G), located in coding exon 5 of the BUB3 gene, results from a T to G substitution at nucleotide position 592. The serine at codon 198 is replaced by alanine, an amino acid with similar properties. This amino acid position is conserved. In addition, this alteration is predicted to be deleterious by in silico analysis. Since supporting evidence is limited at this time, the clinical significance of this alteration remains unclear.

NM_004725.4(BUB3):c.592T>G (p.Ser198Ala)

Gene: BUB3 (BUB3 mitotic checkpoint protein; plus strand). Cytogenetic location: 10q26.13.
Variant type: single nucleotide variant.
Coding change: c.592T>G on transcript NM_004725.4 (MANE Select); coding-DNA position 592, T replaced by G.
Protein change: p.Ser198Ala; replaces serine 198 with alanine.
Molecular consequence: missense variant.
Genome position (GRCh38, 1-based): chr10:123,162,251, T>G. VCF-style: chr10-123162251-T-G. GRCh37 (hg19) VCF-style: chr10-124921767-T-G.
Other names: c.592T>G, p.Ser198Ala (NM_001007793.3); short protein forms S198A.
Identifiers: ClinVar variation 2625371 (VCV002625371.2), dbSNP rs2493765779, ClinGen allele CA378626450.
Genomic context (GRCh38, chr10:123,162,251, plus strand): 5'-GAAGCTGGAATTTACCATTTTTTTCCTCTGGTTCTCTCTTGGCAGGGTTATGTATTAAGC[T>G]CTATTGAAGGCCGAGTGGCAGTTGAGTATTTGGACCCAAGCCCTGAGGTACAGAAGAAGA-3'
Protein context (NP_004716.1, residues 188-208): FPNKQGYVLS[Ser198Ala]IEGRVAVEYL